The following is an entry in ClinVar:

NM_000492.4(CFTR):c.489+3A>G

Gene: CFTR (CF transmembrane conductance regulator; plus strand). Cytogenetic location: 7q31.2.
Variant type: single nucleotide variant.
Coding change: c.489+3A>G on transcript NM_000492.4 (MANE Select); 3 bases into the intron after coding-DNA position 489, A replaced by G.
Molecular consequence: intron variant.
Genome position (GRCh38, 1-based): chr7:117,531,117, A>G. VCF-style: chr7-117531117-A-G. GRCh37 (hg19) VCF-style: chr7-117171171-A-G.
Identifiers: ClinVar variation 53971 (VCV000053971.71), dbSNP rs377729736, ClinGen allele CA327529.

ClinVar aggregate classification (germline): Conflicting classifications of pathogenicity. Review status: criteria provided, conflicting classifications (1 of 4 stars). 29 submissions from 28 submitters: Pathogenic (4); Likely pathogenic (16); Uncertain significance (7). 2 of the submissions do not count toward it. Last evaluated 2026-07-28.

Conditions:
Respiratory ciliopathies including non-CF bronchiectasis.
CFTR-related disorder (CFTR-RD). Also called: CFTR-related disorders; CFTR-related condition. Identifiers: MedGen C5924204, MONDO:7770004.
Congenital bilateral aplasia of vas deferens from CFTR mutation (CBAVD). Identifiers: Orphanet 48, MedGen C0403814, MONDO:0010178, OMIM 277180. Disease mechanism: loss of function.
Cystic fibrosis (CF). Also called: MUCOVISCIDOSIS. Identifiers: Orphanet 586, MedGen C0010674, MONDO:0009061, OMIM 219700. Disease mechanism: loss of function.
Hereditary pancreatitis (PCTT). Also called: PRSS1-Related Hereditary Pancreatitis; Hereditary chronic pancreatitis. Identifiers: Orphanet 676, MedGen C0238339, MONDO:0008185, OMIM 167800.
Bronchiectasis with or without elevated sweat chloride 1 (BESC1). Also called: Cystic Fibrosis-Like Syndrome. Identifiers: Orphanet 60033, MedGen C2749757, MONDO:0008887, OMIM 211400.

Allele frequency attached by ClinVar (database versions not stated): gnomAD 0.00015 and 0.00016; gnomAD exomes 0.00018 and 0.00025; TOPMed 0.00018; ExAC 0.00035; ESP Exome Variant Server 0.00015.
gnomAD v4.1: 285 of 1,605,062 alleles (0.018%); highest among the groups gnomAD compares: Middle Eastern, 0.099%; no homozygotes.

Submissions 1 to 7 of 29:

Department of Medical Genetics, Ordu University Medical School Training and Research Hospital
Classification: Uncertain significance. Last evaluated: 2026-07-28. Review status: criteria provided, single submitter. Criteria: ACMG Guidelines, 2015. Collection method: clinical testing. Allele origin: unknown. Observed: 1 variant allele, 1 heterozygote.
Comment: Heterozygous intronic variant at the +3 position of the CFTR intron 4 donor site, identified as an incidental finding by prenatal exome sequencing. Present in gnomAD v4 (262/1,452,866 alleles in exomes and 23/152,196 in genomes, no homozygotes), so PM2 was not applied. The variant lies outside the canonical +1/+2 donor dinucleotide and no RNA or functional data were available to assess a splicing effect. Classified as uncertain significance; ClinVar currently holds conflicting classifications for this variant (VCV000053971).

PreventionGenetics, part of Exact Sciences
Classification: Likely pathogenic for CFTR-related condition. Last evaluated: 2026-01-28. Review status: criteria provided, single submitter. Criteria: ACMG Guidelines, 2015. Collection method: clinical testing. Allele origin: germline.
Comment: The CFTR c.489+3A>G variant is predicted to interfere with splicing. This variant has been reported in patients with cystic fibrosis, congenital bilateral absence of vas deferens (CBAVD), azoospermia, or sarcoidosis, including in patients with a pathogenic variant on the opposite chromosome (Amato et al. 2011. PubMed ID: 22020151; Bombieri et al. 2000. PubMed ID: 10980579; Gallati et al. 2009. PubMed ID: 20021716; Giuliani et al. 2010. PubMed ID: 20657600; Kanavakis et al. 2003. PubMed ID: 12752573; Sermet-Gaudelus et al. 2010. PubMed ID: 20522854; Soltysova et al. 2017. PubMed ID: 28544683; Tzetis et al. 2001. PubMed ID: 11810271). Additionally, functional studies demonstrate that this variant leads to aberrant splicing with a defect consistent with other known splicing variants at this location (c.489+1G>T aka 621+1G>T; Tzetis et al. 2001. PubMed ID: 11810271; Forzan et al. 2009. PubMed ID: 19893581). This variant is reported in 0.039% of alleles in individuals of European (Non-Finnish) descent in gnomAD. Taken together, this variant is interpreted as likely pathogenic.

Labcorp Genetics (formerly Invitae), Labcorp
Classification: Pathogenic for Cystic fibrosis. Last evaluated: 2026-01-26. Review status: criteria provided, single submitter. Criteria: Invitae Variant Classification Sherloc (09022015). Collection method: clinical testing. Allele origin: germline.
Comment: This sequence change falls in intron 4 of the CFTR gene. It does not directly change the encoded amino acid sequence of the CFTR protein. RNA analysis indicates that this variant induces altered splicing and likely results in a shortened protein product. This variant is present in population databases (rs377729736, gnomAD 0.04%). This variant has been observed in individual(s) with cystic fibrosis, sarcoidosis, azoospermia, or congenital absence of the vas deference (PMID: 10980579, 11810271, 19893581, 20021716, 22020151). This variant is also known as 621+3A>G. ClinVar contains an entry for this variant (Variation ID: 53971). Variants that disrupt the consensus splice site are a relatively common cause of aberrant splicing (PMID: 17576681, 9536098). Studies have shown that this variant results in skipping of 4, but is expected to preserve the integrity of the reading-frame (PMID: 11810271). For these reasons, this variant has been classified as Pathogenic.

CeGaT Center for Human Genetics Tuebingen
Classification: Pathogenic. Last evaluated: 2025-11-01. Review status: criteria provided, single submitter. Criteria: CeGaT Center For Human Genetics Tuebingen Variant Classification Criteria Version 2. Collection method: clinical testing. Allele origin: germline. Affected: yes. Observed: 2 variant alleles.
Comment: CFTR: PM3:Very Strong, PVS1:Strong, PM2

NHS Central & South Genomic Laboratory Hub
Classification: Likely pathogenic for Respiratory ciliopathies including non-CF bronchiectasis. Last evaluated: 2025-09-25. Review status: criteria provided, single submitter. Criteria: ACMG Guidelines, 2015. Collection method: clinical testing. Allele origin: germline. Affected: yes.

Natera, Inc.
Classification: Likely pathogenic for CFTR-related disorders. Last evaluated: 2025-08-04. Review status: criteria provided, single submitter. Criteria: Natera Variant Classification Schema (03/2026). Collection method: clinical testing. Allele origin: germline.
Comment: The c.489+3A>G variant in CFTR is an intronic variant located outside the canonical splice sites. This variant is rare in the general population with a frequency below the threshold expected for the associated phenotype(s). This variant has been observed in one or more individuals affected with the associated recessive disease, as either homozygous or compound heterozygous with a second variant (PMID: 11810271, 33260873, 25910067). Additionally, this variant has been observed to segregate in affected family members (PMID: 25910067). This variant has been found together with another disease-causing variant in the same copy of the gene (PMID: 17572159, 34600583, 17572159). Computational prediction algorithms indicate this variant is likely to affect gene or protein function. Given the available evidence, this variant is classified as Likely Pathogenic.

Women's Health and Genetics/Laboratory Corporation of America, LabCorp
Classification: Likely pathogenic for Cystic fibrosis. Last evaluated: 2025-07-03. Review status: criteria provided, single submitter. Criteria: LabCorp Variant Classification Summary - May 2015. Collection method: clinical testing. Allele origin: germline.
Comment: Variant summary: CFTR c.489+3A>G, legacy name c.621+3A>G, alters a conserved nucleotide located close to a canonical splice site and therefore could affect mRNA splicing, leading to a significantly altered protein sequence. 4/4 in silico tools via Alamut predict that the variant abolishes or weakens the canonical 5' splicing donor site. This is further supported by experimental evidence reporting an impact on mRNA splicing as corroborated by two independent studies that showed a reproducible distribution of transcripts resulting from activation of an alternate splice site (approx 28.3%) and transcripts resulting from complete skipping of exon 4 (approx 6.8%) in addition to levels of wild-type transcripts (approx remaining 65%) (Tzetis_2001, Forzan_2010). Furthermore, the pattern of abnormal splicing demonstrated by this variant is very similar to that of c.489+1G>T (legacy name c.621+1G>T) considered to be a well-recognized pathogenic CFTR variant (Tzetis_2001). The variant allele was found at a frequency of 0.00025 in 247812 control chromosomes. This frequency is not significantly higher than estimated for a pathogenic variant in CFTR causing Non-Classic Cystic Fibrosis (0.00025 vs 0.013), allowing no conclusion about variant significance. c.489+3A>G has been reported in the literature in individuals affected with Cystic Fibrosis or with a provisional CF diagnosis with intermediate sweat chloride levels (e.g. Tzetis_2001, Kanavakis_2003, Soltysova_2018, Claustres_2017, Angyal_2024) and in individuals with other CFTR-related diseases such as CBAVD (e.g. Amato_2012), azoospermia (e.g. Gallati_2009), sarcoidosis (Bombieri_2000), and chronic pancreatitis (Sofia_2016). These data, when ascertained conservatively, limited to patients with a confirmed diagnosis of CF, support the notion that the variant is likely to be associated with disease. This patient had inconsistent sweat chloride levels ranging from 49-75 mEq/L in three independent measurements and the possibility of subclinical disease cannot be entirely ruled out. In addition, the variant was also reported to have been observed in cis with c.4332delTG (legacy name) in a CF patient harboring c.2183AA/G (legacy name) on the other allele (Loumi_2008). However, to our knowledge, there are no additional reports of this co-occurrence to substantiate this finding. The following publications have been ascertained in the context of this evaluation (PMID: 26990548, 22020151, 22439019, 10980579, 28603918, 25304080, 25308578, 19893581, 20021716, 17850636, 20657600, 20932301, 12752573, 17572159, 27264265, 28544683, 11810271). The CFTR2 database states this variant to have varying consequences. ClinVar contains an entry for this variant (Variation ID: 53971). Based on the evidence outlined above, the variant was classified as likely pathogenic.